The following is an entry in ClinVar:

NM_005591.4(MRE11):c.497C>T (p.Pro166Leu)

Gene: MRE11 (MRE11 double strand break repair nuclease; minus strand). Cytogenetic location: 11q21.
Variant type: single nucleotide variant.
Coding change: c.497C>T on transcript NM_005591.4 (MANE Select); coding-DNA position 497, C replaced by T.
Protein change: p.Pro166Leu; replaces proline 166 with leucine.
Molecular consequence: missense variant.
Genome position (GRCh38, 1-based): chr11:94,478,782, G>A on the plus strand (C>T on the coding strand, the complement: MRE11 is on the minus strand). VCF-style: chr11-94478782-G-A. GRCh37 (hg19) VCF-style: chr11-94211948-G-A.
Other names: c.497C>T, p.Pro166Leu (NM_001330347.2, NM_005590.4); short protein forms P166L.
Identifiers: ClinVar variation 142208 (VCV000142208.13), dbSNP rs587782308, ClinGen allele CA167765.

ClinVar aggregate classification (germline): Uncertain significance. Review status: criteria provided, multiple submitters, no conflicts (2 of 4 stars). 4 submissions from 4 submitters: Uncertain significance (4). Last evaluated 2024-07-11.

Conditions:
Ataxia-telangiectasia-like disorder (ATLD). Identifiers: MedGen C1858391, MONDO:0011457.
Hereditary cancer-predisposing syndrome. Also called: Neoplastic Syndromes, Hereditary; Tumor predisposition; Hereditary Cancer Syndrome; Hereditary neoplastic syndrome. Identifiers: Orphanet 140162, MedGen C0027672, MeSH D009386, MONDO:0015356.
Ataxia-telangiectasia-like disorder 1 (ATLD1). Identifiers: Orphanet 251347, MedGen C4012790, MONDO:0024557, OMIM 604391.

Allele frequency attached by ClinVar (database versions not stated): gnomAD 0.00001; TOPMed 0.00002.
gnomAD v4.1: 8 of 1,613,330 alleles (0.0005%); highest among the groups gnomAD compares: South Asian, 0.0011%; no homozygotes.

Submissions (4):

Women's Health and Genetics/Laboratory Corporation of America, LabCorp
Classification: Uncertain significance. Last evaluated: 2024-07-11. Review status: criteria provided, single submitter. Criteria: LabCorp Variant Classification Summary - May 2015. Collection method: clinical testing. Allele origin: germline.
Comment: Variant summary: MRE11A c.497C>T (p.Pro166Leu) results in a non-conservative amino acid change located in the Calcineurin-like phosphoesterase domain, ApaH type domain (IPR004843) of the encoded protein sequence. Five of five in-silico tools predict a damaging effect of the variant on protein function. The variant was absent in 250976 control chromosomes. The available data on variant occurrences in the general population are insufficient to allow any conclusion about variant significance. c.497C>T has been reported in the literature in at-least one individual affected with Cerebellar ataxia (example: Fogel_2014, Lee_2014). These report(s) do not provide unequivocal conclusions about association of the variant with Ataxia Telangiectasia-Like Disorder. To our knowledge, no experimental evidence demonstrating an impact on protein function has been reported. The following publications have been ascertained in the context of this evaluation (PMID: 25133958, 25326637). ClinVar contains an entry for this variant (Variation ID: 142208). Based on the evidence outlined above, the variant was classified as uncertain significance.

Ambry Genetics
Classification: Uncertain significance for Hereditary cancer-predisposing syndrome. Last evaluated: 2024-04-29. Review status: criteria provided, single submitter. Criteria: Ambry Variant Classification Scheme 2023. Collection method: clinical testing. Allele origin: germline.
Comment: The p.P166L variant (also known as c.497C>T), located in coding exon 5 of the MRE11A gene, results from a C to T substitution at nucleotide position 497. The proline at codon 166 is replaced by leucine, an amino acid with similar properties. This alteration was observed in conjunction with MRE11A c.168G>T in an individual with early onset ataxia, oculomotor apraxia, and extrapyradimal features and an affected brother; however, the phase (whether in cis or trans) of these two alterations was not specified (Fogel BL et al. JAMA Neurol. 2014 Oct;71:1237-46). This amino acid position is highly conserved in available vertebrate species. In addition, this alteration is predicted to be deleterious by in silico analysis. Based on the available evidence, the clinical significance of this variant remains unclear.

Labcorp Genetics (formerly Invitae), Labcorp
Classification: Uncertain significance for Ataxia-telangiectasia-like disorder. Last evaluated: 2022-06-20. Review status: criteria provided, single submitter. Criteria: Invitae Variant Classification Sherloc (09022015). Collection method: clinical testing. Allele origin: germline.
Comment: This sequence change replaces proline, which is neutral and non-polar, with leucine, which is neutral and non-polar, at codon 166 of the MRE11 protein (p.Pro166Leu). This variant is not present in population databases (gnomAD no frequency). This missense change has been observed in individual(s) with ataxia telangiectasia-like disorder (PMID: 25133958, 25326637). ClinVar contains an entry for this variant (Variation ID: 142208). Algorithms developed to predict the effect of missense changes on protein structure and function (SIFT, PolyPhen-2, Align-GVGD) all suggest that this variant is likely to be disruptive. In summary, the available evidence is currently insufficient to determine the role of this variant in disease. Therefore, it has been classified as a Variant of Uncertain Significance.

Baylor Genetics
Classification: Uncertain significance for Ataxia-telangiectasia-like disorder 1. Last evaluated: 2021-11-18. Review status: criteria provided, single submitter. Criteria: ACMG Guidelines, 2015. Collection method: clinical testing. Allele origin: unknown.

Literature cited by the submitters: PubMed 25326637 (cited by 3 submitters); PubMed 25133958 (cited by 3 submitters).